The following is an entry in ClinVar:

ClinVar aggregate classification (germline): Uncertain significance (1 of 4 stars; one submission).

Submission:

GeneDx
Classification: Uncertain significance. Last evaluated: 2024-02-08. Review status: criteria provided, single submitter. Criteria: GeneDx Variant Classification Process June 2021. Collection method: clinical testing. Allele origin: germline. Affected: yes.
Comment: Not observed at significant frequency in large population cohorts (gnomAD); In silico analysis supports that this missense variant has a deleterious effect on protein structure/function; Has not been previously published as pathogenic or benign to our knowledge; This variant is associated with the following publications: (PMID: 23532176)

NM_000051.4(ATM):c.6334T>C (p.Cys2112Arg)

Genes: ATM (ATM serine/threonine kinase; plus strand), C11orf65 (chromosome 11 open reading frame 65; minus strand). Cytogenetic location: 11q22.3.
Variant type: single nucleotide variant.
Coding change: c.6334T>C on transcript NM_000051.4 (MANE Select); coding-DNA position 6334, T replaced by C.
Protein change: p.Cys2112Arg; replaces cysteine 2112 with arginine.
Molecular consequence: missense variant. On other transcripts: intron variant (2).
Genome position (GRCh38, 1-based): chr11:108,317,508, T>C. VCF-style: chr11-108317508-T-C. GRCh37 (hg19) VCF-style: chr11-108188235-T-C.
Other names: c.6334T>C, p.Cys2112Arg (NM_001351834.2); c.641-8437A>G (NM_001330368.2); c.*39-8437A>G (NM_001351110.2); short protein forms C2112R.
Identifiers: ClinVar variation 3368951 (VCV003368951.1).